The following is an entry in ClinVar:

NM_006231.4(POLE):c.6301G>T (p.Ala2101Ser)

Gene: POLE (DNA polymerase epsilon, catalytic subunit; minus strand). Cytogenetic location: 12q24.33.
Variant type: single nucleotide variant.
Coding change: c.6301G>T on transcript NM_006231.4 (MANE Select); coding-DNA position 6301, G replaced by T.
Protein change: p.Ala2101Ser; replaces alanine 2101 with serine.
Molecular consequence: missense variant.
Genome position (GRCh38, 1-based): chr12:132,632,344, C>A on the plus strand (G>T on the coding strand, the complement: POLE is on the minus strand). VCF-style: chr12-132632344-C-A. GRCh37 (hg19) VCF-style: chr12-133208930-C-A.
Other names: short protein forms A2101S.
Identifiers: ClinVar variation 473793 (VCV000473793.8), dbSNP rs1395533975, ClinGen allele CA387369295.

ClinVar aggregate classification (germline): Uncertain significance (1 of 4 stars; one submission).

Allele frequency attached by ClinVar (database versions not stated): TOPMed below 0.00001.

Submission:

Labcorp Genetics (formerly Invitae), Labcorp
Classification: Uncertain significance. Last evaluated: 2024-09-25. Review status: criteria provided, single submitter. Criteria: Invitae Variant Classification Sherloc (09022015). Collection method: clinical testing. Allele origin: germline.
Comment: This sequence change replaces alanine, which is neutral and non-polar, with serine, which is neutral and polar, at codon 2101 of the POLE protein (p.Ala2101Ser). This variant is not present in population databases (gnomAD no frequency). This variant has not been reported in the literature in individuals affected with POLE-related conditions. ClinVar contains an entry for this variant (Variation ID: 473793). Invitae Evidence Modeling of protein sequence and biophysical properties (such as structural, functional, and spatial information, amino acid conservation, physicochemical variation, residue mobility, and thermodynamic stability) indicates that this missense variant is not expected to disrupt POLE protein function with a negative predictive value of 80%. In summary, the available evidence is currently insufficient to determine the role of this variant in disease. Therefore, it has been classified as a Variant of Uncertain Significance.